The following is an entry in ClinVar:

ClinVar aggregate classification (germline): Uncertain significance (1 of 4 stars; one submission).

Allele frequency attached by ClinVar (database versions not stated): gnomAD exomes below 0.00001.
gnomAD v4.1: 2 of 1,614,158 alleles (0.00012%); highest among the groups gnomAD compares: South Asian, 0.0022%; no homozygotes.

Submission:

Labcorp Genetics (formerly Invitae), Labcorp
Classification: Uncertain significance. Last evaluated: 2025-07-31. Review status: criteria provided, single submitter. Criteria: Invitae Variant Classification Sherloc (09022015). Collection method: clinical testing. Allele origin: germline.
Comment: This sequence change replaces glutamic acid, which is acidic and polar, with lysine, which is basic and polar, at codon 3024 of the LRP2 protein (p.Glu3024Lys). This variant is not present in population databases (gnomAD no frequency). This missense change has been observed in individual(s) with LRP2-related conditions (PMID: 36307859). ClinVar contains an entry for this variant (Variation ID: 2814515). Invitae Evidence Modeling of protein sequence and biophysical properties (such as structural, functional, and spatial information, amino acid conservation, physicochemical variation, residue mobility, and thermodynamic stability) indicates that this missense variant is expected to disrupt LRP2 protein function with a positive predictive value of 95%. In summary, the available evidence is currently insufficient to determine the role of this variant in disease. Therefore, it has been classified as a Variant of Uncertain Significance.

Literature cited by the submitters: PubMed 36307859.

NM_004525.3(LRP2):c.9070G>A (p.Glu3024Lys)

Gene: LRP2 (LDL receptor related protein 2; minus strand). Cytogenetic location: 2q31.1.
Variant type: single nucleotide variant.
Coding change: c.9070G>A on transcript NM_004525.3 (MANE Select); coding-DNA position 9070, G replaced by A.
Protein change: p.Glu3024Lys; replaces glutamic acid 3024 with lysine.
Molecular consequence: missense variant.
Genome position (GRCh38, 1-based): chr2:169,188,228, C>T on the plus strand (G>A on the coding strand, the complement: LRP2 is on the minus strand). VCF-style: chr2-169188228-C-T. GRCh37 (hg19) VCF-style: chr2-170044738-C-T.
Other names: short protein forms E3024K.
Identifiers: ClinVar variation 2814515 (VCV002814515.3), dbSNP rs2545761650, ClinGen allele CA349157606.
Genomic context (GRCh38, chr2:169,188,228, plus strand): 5'-AGCGCCCGTTCTGACAGGTAAACTGATTCTGTTGGCAAGTCTGGTATAAGCAGCCCCTCT[C>T]GTCGCTATAGTCACCACAGTCATTGTGCCGGTCACACCTGTATCATGAGATCCAGTACCA-3'
Protein context (NP_004516.2, residues 3014-3034): RHNDCGDYSD[Glu3024Lys]RGCLYQTCQQ